The following is an entry in ClinVar:

NM_004171.4(SLC1A2):c.1093G>T (p.Ala365Ser)

Gene: SLC1A2 (solute carrier family 1 member 2; minus strand). Cytogenetic location: 11p13.
Variant type: single nucleotide variant.
Coding change: c.1093G>T on transcript NM_004171.4 (MANE Select); coding-DNA position 1093, G replaced by T.
Protein change: p.Ala365Ser; replaces alanine 365 with serine.
Molecular consequence: missense variant.
Genome position (GRCh38, 1-based): chr11:35,286,950, C>A on the plus strand (G>T on the coding strand, the complement: SLC1A2 is on the minus strand). VCF-style: chr11-35286950-C-A. GRCh37 (hg19) VCF-style: chr11-35308497-C-A.
Other names: c.1066G>T, p.Ala356Ser (NM_001195728.3, NM_001252652.2); short protein forms A365S, A356S.
Identifiers: ClinVar variation 1474719 (VCV001474719.6), dbSNP rs2134719181, ClinGen allele CA380123307.

ClinVar aggregate classification (germline): Uncertain significance (1 of 4 stars; one submission).

Submission:

Labcorp Genetics (formerly Invitae), Labcorp
Classification: Uncertain significance. Last evaluated: 2021-08-11. Review status: criteria provided, single submitter. Criteria: Invitae Variant Classification Sherloc (09022015). Collection method: clinical testing. Allele origin: germline.
Comment: In summary, the available evidence is currently insufficient to determine the role of this variant in disease. Therefore, it has been classified as a Variant of Uncertain Significance. Algorithms developed to predict the effect of missense changes on protein structure and function are either unavailable or do not agree on the potential impact of this missense change (SIFT: "Tolerated"; PolyPhen-2: "Possibly Damaging"; Align-GVGD: "Class C0"). This missense change has been observed in individual(s) with clinical features of autosomal dominant early infantile epileptic encephalopathy (Invitae). This variant is not present in population databases (ExAC no frequency). This sequence change replaces alanine with serine at codon 365 of the SLC1A2 protein (p.Ala365Ser). The alanine residue is highly conserved and there is a moderate physicochemical difference between alanine and serine.